The following is an entry in ClinVar:

NM_021254.4(CFAP298):c.77A>C (p.Glu26Ala)

Genes: CFAP298-TCP10L (CFAP298-TCP10L readthrough; minus strand), CFAP298 (cilia and flagella associated protein 298; minus strand). Cytogenetic location: 21q22.11.
Variant type: single nucleotide variant.
Coding change: c.77A>C on transcript NM_021254.4 (MANE Select); coding-DNA position 77, A replaced by C.
Protein change: p.Glu26Ala; replaces glutamic acid 26 with alanine.
Molecular consequence: missense variant. On other transcripts: non-coding transcript variant (2), 5 prime UTR variant (1).
Genome position (GRCh38, 1-based): chr21:32,612,167, T>G on the plus strand (A>C on the coding strand, the complement: CFAP298 is on the minus strand). VCF-style: chr21-32612167-T-G. GRCh37 (hg19) VCF-style: chr21-33984477-T-G.
Other names: c.77A>C, p.Glu26Ala (NM_001350338.2, NM_001350335.2, NM_001350336.2 and 1 more transcripts); c.-153A>C (NM_001350334.2); short protein forms E26A.
Identifiers: ClinVar variation 241379 (VCV000241379.38), dbSNP rs138178722, ClinGen allele CA10002981.

ClinVar aggregate classification (germline): Benign/Likely benign. Review status: criteria provided, multiple submitters, no conflicts (2 of 4 stars). 5 submissions from 5 submitters: Benign (2); Likely benign (3). Last evaluated 2026-02-01.

Allele frequency attached by ClinVar (database versions not stated): ESP Exome Variant Server 0.00139; 1000 Genomes Project 30x 0.00172; gnomAD exomes 0.00172 and 0.00252; 1000 Genomes Project 0.00180; gnomAD 0.00219 and 0.00220; TOPMed 0.00277; ExAC 0.00532.
gnomAD v4.1: 2,973 of 1,597,998 alleles (0.19%); highest among the groups gnomAD compares: Middle Eastern, 2.2%; 19 homozygotes.

Submissions (5):

Labcorp Genetics (formerly Invitae), Labcorp
Classification: Benign. Last evaluated: 2026-02-01. Review status: criteria provided, single submitter. Criteria: Invitae Variant Classification Sherloc (09022015). Collection method: clinical testing. Allele origin: germline.

CeGaT Center for Human Genetics Tuebingen
Classification: Likely benign. Last evaluated: 2026-01-01. Review status: criteria provided, single submitter. Criteria: CeGaT Center For Human Genetics Tuebingen Variant Classification Criteria Version 2. Collection method: clinical testing. Allele origin: germline. Affected: yes. Observed: 4 variant alleles.
Comment: CFAP298: BP4, BS2; CFAP298-TCP10L: BP4, BS2

Blueprint Genetics
Classification: Likely benign. Last evaluated: 2024-11-20. Review status: criteria provided, single submitter. Criteria: ACMG Guidelines, 2015. Collection method: clinical testing. Allele origin: germline.

ARUP Laboratories, Molecular Genetics and Genomics, ARUP Laboratories
Classification: Likely benign. Last evaluated: 2023-10-02. Review status: criteria provided, single submitter. Criteria: ARUP Molecular Germline Variant Investigation Process 2024. Collection method: clinical testing. Allele origin: germline.

Breakthrough Genomics
Classification: Benign. Review status: criteria provided, single submitter. Criteria: ACMG Guidelines, 2015. Collection method: not provided. Allele origin: germline. Inheritance: Autosomal recessive inheritance. Affected: yes.